The following is an entry in ClinVar:

NM_004409.5(DMPK):c.*224CTG[347]

Genes: DM1-AS (DM1 locus antisense RNA; plus strand), DMPK (DM1 protein kinase; minus strand), LOC107075317 (origin of replication in DMPK trinucleotide repeat region; plus strand), LOC109461477 (dystrophia myotonica protein kinase repeat instability region; plus strand). Cytogenetic location: 19q13.32.
Variant type: Microsatellite.
Coding change: c.*224CTG[347] on transcript NM_004409.5 (MANE Select); 347 copies in a row of the 3-base unit CTG starting at c.*224.
Molecular consequence: 3 prime UTR variant.
Genome position: GRCh38, VCF-style position (the base before the change): chr19:45,770,204. GRCh37 (hg19), VCF-style position (the base before the change): chr19:46,273,462.
Other names: DM1 CTG repeat expansion; c.*217CTG[347] (NM_001288765.2, NM_001424162.1, NM_001424163.1 and 2 more transcripts); c.*369CTG[347] (NM_001288766.2, NM_001424164.1, NM_001424168.1); c.*224CTG[347] (NM_001424165.1, NM_001424169.1, NM_001288764.2 and 1 more transcripts); c.*222_*224TGC[347] (NM_001081563.3).
Identifiers: ClinVar variation 187962 (VCV000187962.1), ClinGen allele CA915951769.

ClinVar aggregate classification (germline): Pathogenic (0 of 4 stars; one submission).

Conditions:
Steinert myotonic dystrophy syndrome (DM1). Also called: STEINERT DISEASE; Myotonic dystrophy type 1; Dystrophia myotonica type 1; Steinert myotonic dystrophy; Steinert's disease. Identifiers: Orphanet 273, MedGen C3250443, MONDO:0008056, OMIM 160900.

Submission:

Institute of Molecular, Cell and Systems Biology, University of Glasgow
Classification: Pathogenic for Steinert myotonic dystrophy syndrome. Review status: no assertion criteria provided. Criteria: research. Collection method: research. Allele origin: germline. Inheritance: Autosomal dominant inheritance. Affected: yes. Observed: 1 heterozygote.
Comment: DMPK CTG repeat expansions greater than approximately 45-50 repeats are assumed to be pathogenic

This record is based on data published in PubMed 25052313, which reports only ClinVar accessions SCV000120188 and SCV000120189. The complete data set includes SCV000207445 - SCV000207579.

Literature cited by the submitters: PubMed 1346923; PubMed 1546326; PubMed 25052313.